The following is an entry in ClinVar:

ClinVar aggregate classification (germline): Uncertain significance. Review status: criteria provided, multiple submitters, no conflicts (2 of 4 stars). 2 submissions from 2 submitters: Uncertain significance (2). Last evaluated 2021-02-17.

Allele frequency attached by ClinVar (database versions not stated): gnomAD exomes 0.00001; TOPMed 0.00001; gnomAD 0.00004.
gnomAD v4.1: 16 of 1,207,137 alleles (0.0013%); highest among the groups gnomAD compares: Non-Finnish European, 0.0017%; no homozygotes.

Submissions (2):

Labcorp Genetics (formerly Invitae), Labcorp
Classification: Uncertain significance. Last evaluated: 2021-02-17. Review status: criteria provided, single submitter. Criteria: Invitae Variant Classification Sherloc (09022015). Collection method: clinical testing. Allele origin: germline.
Comment: In summary, the available evidence is currently insufficient to determine the role of this variant in disease. Therefore, it has been classified as a Variant of Uncertain Significance. Algorithms developed to predict the effect of missense changes on protein structure and function are either unavailable or do not agree on the potential impact of this missense change (SIFT: "Deleterious"; PolyPhen-2: "Benign"; Align-GVGD: "Class C0"). This variant has not been reported in the literature in individuals with CACNA1F-related conditions. ClinVar contains an entry for this variant (Variation ID: 865984). This variant is not present in population databases (ExAC no frequency). This sequence change replaces valine with methionine at codon 1352 of the CACNA1F protein (p.Val1352Met). The valine residue is highly conserved and there is a small physicochemical difference between valine and methionine.

Blueprint Genetics
Classification: Uncertain significance. Last evaluated: 2019-07-26. Review status: criteria provided, single submitter. Criteria: ACMG Guidelines, 2015. Collection method: clinical testing. Allele origin: germline.

NM_001256789.3(CACNA1F):c.4021G>A (p.Val1341Met)

Gene: CACNA1F (calcium voltage-gated channel subunit alpha1 F; minus strand). Cytogenetic location: Xp11.23.
Variant type: single nucleotide variant.
Coding change: c.4021G>A on transcript NM_001256789.3 (MANE Select); coding-DNA position 4021, G replaced by A.
Protein change: p.Val1341Met; replaces valine 1341 with methionine.
Molecular consequence: missense variant.
Genome position (GRCh38, 1-based): chrX:49,211,977, C>T on the plus strand (G>A on the coding strand, the complement: CACNA1F is on the minus strand). VCF-style: chrX-49211977-C-T. GRCh37 (hg19) VCF-style: chrX-49068437-C-T.
Other names: c.3859G>A, p.Val1287Met (NM_001256790.3); c.4054G>A, p.Val1352Met (NM_005183.4); short protein forms V1352M, V1287M, V1341M.
Identifiers: ClinVar variation 865984 (VCV000865984.9), dbSNP rs1449089841, ClinGen allele CA412962004.